The following is an entry in ClinVar:

ClinVar aggregate classification (germline): Uncertain significance (1 of 4 stars; one submission).

Conditions:
Congenital insensitivity to pain-hypohidrosis syndrome. Also called: HSAN VIII; Neuropathy, hereditary sensory and autonomic, type VIII. Identifiers: Orphanet 478664, MedGen C4225308, MONDO:0014662, OMIM 616488.

Submission:

Labcorp Genetics (formerly Invitae), Labcorp
Classification: Uncertain significance for Congenital insensitivity to pain-hypohidrosis syndrome. Last evaluated: 2022-05-11. Review status: criteria provided, single submitter. Criteria: Invitae Variant Classification Sherloc (09022015). Collection method: clinical testing. Allele origin: germline.
Comment: In summary, the available evidence is currently insufficient to determine the role of this variant in disease. Therefore, it has been classified as a Variant of Uncertain Significance. Algorithms developed to predict the effect of missense changes on protein structure and function output the following: SIFT: "Tolerated"; PolyPhen-2: "Benign"; Align-GVGD: "Class C0". The asparagine amino acid residue is found in multiple mammalian species, which suggests that this missense change does not adversely affect protein function. This variant has not been reported in the literature in individuals affected with PRDM12-related conditions. This variant is not present in population databases (gnomAD no frequency). This sequence change replaces serine, which is neutral and polar, with asparagine, which is neutral and polar, at codon 54 of the PRDM12 protein (p.Ser54Asn).

NM_021619.3(PRDM12):c.161G>A (p.Ser54Asn)

Gene: PRDM12 (PR/SET domain 12; plus strand). Cytogenetic location: 9q34.12.
Variant type: single nucleotide variant.
Coding change: c.161G>A on transcript NM_021619.3 (MANE Select); coding-DNA position 161, G replaced by A.
Protein change: p.Ser54Asn; replaces serine 54 with asparagine.
Molecular consequence: missense variant.
Genome position (GRCh38, 1-based): chr9:130,664,814, G>A. VCF-style: chr9-130664814-G-A. GRCh37 (hg19) VCF-style: chr9-133540201-G-A.
Other names: short protein forms S54N.
Identifiers: ClinVar variation 1993005 (VCV001993005.4), dbSNP rs2490720128, ClinGen allele CA375245706.